The following is an entry in ClinVar:

NM_015267.4(CUX2):c.301+10G>A

Gene: CUX2 (cut like homeobox 2; plus strand). Cytogenetic location: 12q24.11.
Variant type: single nucleotide variant.
Coding change: c.301+10G>A on transcript NM_015267.4 (MANE Select); 10 bases into the intron after coding-DNA position 301, G replaced by A.
Molecular consequence: intron variant.
Genome position (GRCh38, 1-based): chr12:111,263,849, G>A. VCF-style: chr12-111263849-G-A. GRCh37 (hg19) VCF-style: chr12-111701653-G-A.
Other names: c.115+10G>A (NM_001370598.1).
Identifiers: ClinVar variation 3039195 (VCV003039195.3), dbSNP rs372557027, ClinGen allele CA6788295.
Genomic context (GRCh38, chr12:111,263,849, plus strand): 5'-AGGCGGAGGCTGCTTTTCTGAGTGTTTACAAGCAATTAATTGAAGCACCAGGTAAGAAAT[G>A]CTTGGGCTCCGTAATTGAATAGTTAACGACAATAAATAGCCATTAGGACTGTGACACAGG-3'

ClinVar aggregate classification (germline): Likely benign. Review status: criteria provided, single submitter (1 of 4 stars). 2 submissions from 2 submitters: Likely benign (1). 1 of the submissions does not count toward it. Last evaluated 2024-11-20.

Conditions:
CUX2-related disorder. Also called: CUX2-related condition.

Allele frequency attached by ClinVar (database versions not stated): TOPMed 0.00015; gnomAD exomes 0.00016; ExAC 0.00019; gnomAD 0.00021; ESP Exome Variant Server 0.00050.
gnomAD v4.1: 257 of 1,610,852 alleles (0.016%); highest among the groups gnomAD compares: Non-Finnish European, 0.021%; no homozygotes.

Submissions (2):

Blueprint Genetics
Classification: Likely benign. Last evaluated: 2024-11-20. Review status: criteria provided, single submitter. Criteria: ACMG Guidelines, 2015. Collection method: clinical testing. Allele origin: germline.

PreventionGenetics, part of Exact Sciences
Classification: Likely benign for CUX2-related condition. Last evaluated: 2019-04-11. Review status: no assertion criteria provided. Collection method: clinical testing. Allele origin: germline. Not counted in ClinVar's aggregate classification.
Comment: This variant is classified as likely benign based on ACMG/AMP sequence variant interpretation guidelines (Richards et al. 2015 PMID: 25741868, with internal and published modifications).